The following is an entry in ClinVar:

NM_001145809.2(MYH14):c.3069G>A (p.Ala1023=)

Gene: MYH14 (myosin heavy chain 14; plus strand). Cytogenetic location: 19q13.33.
Variant type: single nucleotide variant.
Coding change: c.3069G>A on transcript NM_001145809.2 (MANE Select); coding-DNA position 3069, G replaced by A.
Protein change: p.Ala1023=; no amino-acid change (alanine 1023 retained).
Molecular consequence: synonymous variant.
Genome position (GRCh38, 1-based): chr19:50,271,444, G>A. VCF-style: chr19-50271444-G-A. GRCh37 (hg19) VCF-style: chr19-50774701-G-A.
Other names: c.2970G>A, p.Ala990= (NM_001077186.2); c.2946G>A, p.Ala982= (NM_024729.4).
Identifiers: ClinVar variation 1924554 (VCV001924554.23), dbSNP rs372701728, ClinGen allele CA9593105.

ClinVar aggregate classification (germline): Likely benign. Review status: criteria provided, multiple submitters, no conflicts (2 of 4 stars). 2 submissions from 2 submitters: Likely benign (2). Last evaluated 2024-06-01.

Allele frequency attached by ClinVar (database versions not stated): gnomAD 0.00001; gnomAD exomes 0.00003; ExAC 0.00007; ESP Exome Variant Server 0.00008.
gnomAD v4.1: 52 of 1,606,678 alleles (0.0032%); highest among the groups gnomAD compares: Non-Finnish European, 0.0037%; no homozygotes.

Submissions (2):

CeGaT Center for Human Genetics Tuebingen
Classification: Likely benign. Last evaluated: 2024-06-01. Review status: criteria provided, single submitter. Criteria: CeGaT Center For Human Genetics Tuebingen Variant Classification Criteria Version 2. Collection method: clinical testing. Allele origin: germline. Affected: yes. Observed: 1 variant allele.
Comment: MYH14: BP4, BP7

Labcorp Genetics (formerly Invitae), Labcorp
Classification: Likely benign. Last evaluated: 2022-10-17. Review status: criteria provided, single submitter. Criteria: Invitae Variant Classification Sherloc (09022015). Collection method: clinical testing. Allele origin: germline.